The following is an entry in ClinVar:

ClinVar aggregate classification (germline): Likely benign (1 of 4 stars; one submission).

Allele frequency attached by ClinVar (database versions not stated): ExAC 0.00001; gnomAD 0.00003; gnomAD exomes 0.00003; TOPMed 0.00005.
gnomAD v4.1: 40 of 1,613,932 alleles (0.0025%); highest among the groups gnomAD compares: Non-Finnish European, 0.0032%; no homozygotes.

Submission:

CeGaT Center for Human Genetics Tuebingen
Classification: Likely benign. Last evaluated: 2022-06-01. Review status: criteria provided, single submitter. Criteria: CeGaT Center For Human Genetics Tuebingen Variant Classification Criteria Version 2. Collection method: clinical testing. Allele origin: germline. Affected: yes. Observed: 1 variant allele.
Comment: PI4KA: BP4, BP7

NM_058004.4(PI4KA):c.5097A>G (p.Glu1699=)

Gene: PI4KA (phosphatidylinositol 4-kinase alpha; minus strand). Cytogenetic location: 22q11.21.
Variant type: single nucleotide variant.
Coding change: c.5097A>G on transcript NM_058004.4 (MANE Select); coding-DNA position 5097, A replaced by G.
Protein change: p.Glu1699=; no amino-acid change (glutamic acid 1699 retained).
Molecular consequence: synonymous variant.
Genome position (GRCh38, 1-based): chr22:20,721,317, T>C on the plus strand (A>G on the coding strand, the complement: PI4KA is on the minus strand). VCF-style: chr22-20721317-T-C. GRCh37 (hg19) VCF-style: chr22-21075605-T-C.
Other names: c.5004A>G, p.Glu1668= (NM_001362862.2); c.5031A>G, p.Glu1677= (NM_001362863.2).
Identifiers: ClinVar variation 2652908 (VCV002652908.24), dbSNP rs753027662, ClinGen allele CA10114832.